The following is an entry in ClinVar:

NM_001130987.2(DYSF):c.5138T>C (p.Phe1713Ser)

Gene: DYSF (dysferlin; plus strand). Cytogenetic location: 2p13.2.
Variant type: single nucleotide variant.
Coding change: c.5138T>C on transcript NM_001130987.2 (MANE Select); coding-DNA position 5138, T replaced by C.
Protein change: p.Phe1713Ser; replaces phenylalanine 1713 with serine.
Molecular consequence: missense variant.
Genome position (GRCh38, 1-based): chr2:71,664,402, T>C. VCF-style: chr2-71664402-T-C. GRCh37 (hg19) VCF-style: chr2-71891532-T-C.
Other names: c.5024T>C, p.Phe1675Ser (NM_001130455.2); c.4979T>C, p.Phe1660Ser (NM_001130976.2); c.5042T>C, p.Phe1681Ser (NM_001130977.2); c.5084T>C, p.Phe1695Ser (NM_001130978.2); c.5114T>C, p.Phe1705Ser (NM_001130979.2); c.5072T>C, p.Phe1691Ser (NM_001130980.2); c.5135T>C, p.Phe1712Ser (NM_001130981.2); c.5117T>C, p.Phe1706Ser (NM_001130982.2); and 5 more; short protein forms F1713S, F1674S, F1691S, F1692S, F1695S, F1712S, F1661S, F1706S.
Identifiers: ClinVar variation 289960 (VCV000289960.13), dbSNP rs886044317, ClinGen allele CA10606610.
Genomic context (GRCh38, chr2:71,664,402, plus strand): 5'-CCAAGGACGAAAAGATCGGTGAGACGGTCGTCGACCTGGAGAACAGGCTGCTGTCCAAGT[T>C]TGGGGCTCGCTGTGGACTCCCACAGACCTACTGTGTGTACGTGGATGGGGGCTGGCTGCC-3'
Protein context (NP_001124459.1, residues 1703-1723): VDLENRLLSK[Phe1713Ser]GARCGLPQTY

ClinVar aggregate classification (germline): Uncertain significance. Review status: criteria provided, multiple submitters, no conflicts (2 of 4 stars). 2 submissions from 2 submitters: Uncertain significance (2). Last evaluated 2020-10-28.

Conditions:
Neuromuscular disease caused by qualitative or quantitative defects of dysferlin. Also called: Qualitative or quantitative defects of dysferlin; Dysferlinopathy. Identifiers: Orphanet 207073, MedGen C2931687, MONDO:0016145.

Submissions (2):

Labcorp Genetics (formerly Invitae), Labcorp
Classification: Uncertain significance for Neuromuscular disease caused by qualitative or quantitative defects of dysferlin. Last evaluated: 2020-10-28. Review status: criteria provided, single submitter. Criteria: Invitae Variant Classification Sherloc (09022015). Collection method: clinical testing. Allele origin: germline.
Comment: This sequence change replaces phenylalanine with serine at codon 1674 of the DYSF protein (p.Phe1674Ser). The phenylalanine residue is moderately conserved and there is a large physicochemical difference between phenylalanine and serine. This variant is not present in population databases (ExAC no frequency) and has not been reported in the literature in individuals with a DYSF-related disease. ClinVar contains an entry for this variant (Variation ID: 289960). Algorithms developed to predict the effect of missense changes on protein structure and function do not agree on the potential impact of this missense change (SIFT: "Tolerated"; PolyPhen-2: "Possibly Damaging"; Align-GVGD: "Class C0"). In summary, this variant is a rare missense change with uncertain impact on protein function. There is no indication that it causes disease, but the available evidence is currently insufficient to prove that conclusively. Therefore, it has been classified as a Variant of Uncertain Significance.

Eurofins Ntd Llc (ga)
Classification: Uncertain significance. Last evaluated: 2016-08-01. Review status: criteria provided, single submitter. Criteria: EGL Classification Definitions 2015. Collection method: clinical testing. Allele origin: germline. Observed: 1 variant allele, 1 heterozygote.